The following is an entry in ClinVar:

NM_001128840.3(CACNA1D):c.6431C>A (p.Pro2144His)

Gene: CACNA1D (calcium voltage-gated channel subunit alpha1 D; plus strand). Cytogenetic location: 3p21.1.
Variant type: single nucleotide variant.
Coding change: c.6431C>A on transcript NM_001128840.3 (MANE Select); coding-DNA position 6431, C replaced by A.
Protein change: p.Pro2144His; replaces proline 2144 with histidine.
Molecular consequence: missense variant.
Genome position (GRCh38, 1-based): chr3:53,811,351, C>A. VCF-style: chr3-53811351-C-A. GRCh37 (hg19) VCF-style: chr3-53845378-C-A.
Other names: c.6491C>A, p.Pro2164His (NM_000720.4); c.6359C>A, p.Pro2120His (NM_001128839.3); short protein forms P2164H, P2120H, P2144H.
Identifiers: ClinVar variation 1511233 (VCV001511233.6), dbSNP rs747919321, ClinGen allele CA2455447.

ClinVar aggregate classification (germline): Uncertain significance (1 of 4 stars; one submission).

Allele frequency attached by ClinVar (database versions not stated): gnomAD 0.00001; gnomAD exomes 0.00001 and 0.00003; TOPMed 0.00001; ExAC 0.00003.
gnomAD v4.1: 9 of 1,598,284 alleles (0.00056%); highest among the groups gnomAD compares: Admixed American, 0.015%; no homozygotes.

Submission:

Labcorp Genetics (formerly Invitae), Labcorp
Classification: Uncertain significance. Last evaluated: 2025-12-15. Review status: criteria provided, single submitter. Criteria: Invitae Variant Classification Sherloc (09022015). Collection method: clinical testing. Allele origin: germline.
Comment: This sequence change replaces proline, which is neutral and non-polar, with histidine, which is basic and polar, at codon 2164 of the CACNA1D protein (p.Pro2164His). This variant is present in population databases (rs747919321, gnomAD 0.03%). This variant has not been reported in the literature in individuals affected with CACNA1D-related conditions. ClinVar contains an entry for this variant (Variation ID: 1511233). An algorithm developed to predict the effect of missense changes on protein structure and function (PolyPhen-2) suggests that this variant is likely to be tolerated. In summary, the available evidence is currently insufficient to determine the role of this variant in disease. Therefore, it has been classified as a Variant of Uncertain Significance.